The following is an entry in ClinVar:

ClinVar aggregate classification (germline): Uncertain significance. Review status: criteria provided, multiple submitters, no conflicts (2 of 4 stars). 2 submissions from 2 submitters: Uncertain significance (2). Last evaluated 2022-08-16.

Conditions:
Inborn genetic diseases. Identifiers: MedGen C0950123, MeSH D030342.
Immunodeficiency 35 (IMD35). Also called: TYK2 DEFICIENCY; Susceptibility to infection due to TYK2 deficiency; HIES WITH ATYPICAL MYCOBACTERIOSIS, AUTOSOMAL RECESSIVE; HYPER-IgE SYNDROME WITH ATYPICAL MYCOBACTERIOSIS, AUTOSOMAL RECESSIVE. Identifiers: Orphanet 331226, MedGen C1969086, MONDO:0012682, OMIM 611521.

Allele frequency attached by ClinVar (database versions not stated): gnomAD exomes 0.00001 and 0.00002.
gnomAD v4.1: 16 of 1,547,708 alleles (0.001%); highest among the groups gnomAD compares: Admixed American, 0.0039%; no homozygotes.

Submissions (2):

Ambry Genetics
Classification: Uncertain significance for Inborn genetic diseases. Last evaluated: 2022-08-16. Review status: criteria provided, single submitter. Criteria: Ambry Variant Classification Scheme 2023. Collection method: clinical testing. Allele origin: germline.

Labcorp Genetics (formerly Invitae), Labcorp
Classification: Uncertain significance for Immunodeficiency 35. Last evaluated: 2021-09-14. Review status: criteria provided, single submitter. Criteria: Invitae Variant Classification Sherloc (09022015). Collection method: clinical testing. Allele origin: germline.
Comment: This sequence change replaces alanine with threonine at codon 671 of the TYK2 protein (p.Ala671Thr). The alanine residue is moderately conserved and there is a small physicochemical difference between alanine and threonine. In summary, the available evidence is currently insufficient to determine the role of this variant in disease. Therefore, it has been classified as a Variant of Uncertain Significance. Algorithms developed to predict the effect of missense changes on protein structure and function output the following: SIFT: "Not Available"; PolyPhen-2: "Benign"; Align-GVGD: "Not Available". The threonine amino acid residue is found in multiple mammalian species, which suggests that this missense change does not adversely affect protein function. This variant has not been reported in the literature in individuals affected with TYK2-related conditions. This variant is not present in population databases (ExAC no frequency).

NM_003331.5(TYK2):c.2011G>A (p.Ala671Thr)

Gene: TYK2 (tyrosine kinase 2; minus strand). Cytogenetic location: 19p13.2.
Variant type: single nucleotide variant.
Coding change: c.2011G>A on transcript NM_003331.5 (MANE Select); coding-DNA position 2011, G replaced by A.
Protein change: p.Ala671Thr; replaces alanine 671 with threonine.
Molecular consequence: missense variant.
Genome position (GRCh38, 1-based): chr19:10,361,547, C>T on the plus strand (G>A on the coding strand, the complement: TYK2 is on the minus strand). VCF-style: chr19-10361547-C-T. GRCh37 (hg19) VCF-style: chr19-10472223-C-T.
Other names: c.2011G>A, p.Ala671Thr (NM_001385197.1, NM_001385198.1, NM_001385200.1 and 2 more transcripts); c.1825G>A, p.Ala609Thr (NM_001385199.1); c.1813G>A, p.Ala605Thr (NM_001385201.1); c.1927G>A, p.Ala643Thr (NM_001385202.1); c.1921G>A, p.Ala641Thr (NM_001385205.1); c.1885G>A, p.Ala629Thr (NM_001385206.1); c.1993G>A, p.Ala665Thr (NM_001385207.1); c.2011G>A (NM_003331.4); short protein forms A609T, A643T, A641T, A605T, A629T, A665T, A671T.
Identifiers: ClinVar variation 1375302 (VCV001375302.5), dbSNP rs1247499935, ClinGen allele CA404001819.
Genomic context (GRCh38, chr19:10,361,547, plus strand): 5'-ATGGGTATGGCGGGACCCACTCACTTTCAGGGCCGCGCACACAGACGCCATGCACGAAGG[C>T]CAGGTGCGTGTGGGAGACCTGGCTCATGAGGCTGGCTGTCTCGTAGAAGGCCTGTGGGGA-3'
Protein context (NP_003322.3, residues 661-681): LMSQVSHTHL[Ala671Thr]FVHGVCVRGP